The following is an entry in ClinVar:

NM_001378183.1(PIEZO2):c.1766T>C (p.Phe589Ser)

Gene: PIEZO2 (piezo type mechanosensitive ion channel component 2; minus strand). Cytogenetic location: 18p11.22.
Variant type: single nucleotide variant.
Coding change: c.1766T>C on transcript NM_001378183.1 (MANE Select); coding-DNA position 1766, T replaced by C.
Protein change: p.Phe589Ser; replaces phenylalanine 589 with serine.
Molecular consequence: missense variant.
Genome position (GRCh38, 1-based): chr18:10,791,317, A>G on the plus strand (T>C on the coding strand, the complement: PIEZO2 is on the minus strand). VCF-style: chr18-10791317-A-G. GRCh37 (hg19) VCF-style: chr18-10791315-A-G.
Other names: c.1766T>C, p.Phe589Ser (NM_001410871.1, NM_022068.4); short protein forms F589S.
Identifiers: ClinVar variation 4739153 (VCV004739153.1).
Genomic context (GRCh38, chr18:10,791,317, plus strand): 5'-TCTTGCAGAGCTTTTTGCTCTGTGAGGTGCTGCCTCAGCAGTAGCCAAAAAGTAATGGTG[A>G]AAAGGATCTGAAAGTAGAGAAGCAGCAAAACAAGAATTAAGCAACCATTTGGAATGTAAA-3'
Protein context (NP_001365112.1, residues 579-599): EPGELASKIL[Phe589Ser]TITFWLLLRQ

ClinVar aggregate classification (germline): Uncertain significance (1 of 4 stars; one submission).

gnomAD v4.1: 1 of 1,509,744 alleles (0.000066%); highest among the groups gnomAD compares: Admixed American, 0.0022%; no homozygotes.

Submission:

Labcorp Genetics (formerly Invitae), Labcorp
Classification: Uncertain significance. Last evaluated: 2025-10-14. Review status: criteria provided, single submitter. Criteria: Invitae Variant Classification Sherloc (09022015). Collection method: clinical testing. Allele origin: germline.
Comment: This sequence change replaces phenylalanine, which is neutral and non-polar, with serine, which is neutral and polar, at codon 589 of the PIEZO2 protein (p.Phe589Ser). This variant is not present in population databases (gnomAD no frequency). This variant has not been reported in the literature in individuals affected with PIEZO2-related conditions. Invitae Evidence Modeling of protein sequence and biophysical properties (such as structural, functional, and spatial information, amino acid conservation, physicochemical variation, residue mobility, and thermodynamic stability) indicates that this missense variant is not expected to disrupt PIEZO2 protein function with a negative predictive value of 80%. In summary, the available evidence is currently insufficient to determine the role of this variant in disease. Therefore, it has been classified as a Variant of Uncertain Significance.